The following is an entry in ClinVar:

ClinVar aggregate classification (germline): Uncertain significance. Review status: criteria provided, multiple submitters, no conflicts (2 of 4 stars). 4 submissions from 4 submitters: Uncertain significance (4). Last evaluated 2026-09-04.

Conditions:
FLNC-related disorder. Also called: FLNC-related disorders; FLNC-related condition.
Myofibrillar myopathy 5. Also called: Filaminopathy (type); FILAMINOPATHY, AUTOSOMAL DOMINANT. Identifiers: Orphanet 171445, MedGen C1836050, MONDO:0012289, OMIM 609524.
Distal myopathy with posterior leg and anterior hand involvement. Also called: WILLIAMS DISTAL MYOPATHY. Identifiers: Orphanet 63273, MedGen C3279722, MONDO:0013550, OMIM 614065.
Hypertrophic cardiomyopathy 26. Also called: Cardiomyopathy, familial hypertrophic, 26. Identifiers: Orphanet 75249, MedGen C4310749, MONDO:0014883, OMIM 617047.
Cardiovascular phenotype. Identifiers: MedGen CN230736.

Allele frequency attached by ClinVar (database versions not stated): gnomAD 0.00001; gnomAD exomes 0.00001; TOPMed 0.00002; ExAC 0.00003.
gnomAD v4.1: 13 of 1,610,412 alleles (0.00081%); highest among the groups gnomAD compares: African/African-American, 0.0027%; no homozygotes.

Submissions (4):

Ambry Genetics
Classification: Uncertain significance for Cardiovascular phenotype. Last evaluated: 2026-09-04. Review status: criteria provided, single submitter. Criteria: Ambry Variant Classification Scheme 2023. Collection method: clinical testing. Allele origin: germline.
Comment: The p.R2641Q variant (also known as c.7922G>A), located in coding exon 47 of the FLNC gene, results from a G to A substitution at nucleotide position 7922. The arginine at codon 2641 is replaced by glutamine, an amino acid with highly similar properties. This amino acid position is conserved. In addition, the in silico prediction for this alteration is inconclusive. Based on the available evidence, the clinical significance of this variant remains unclear.

PreventionGenetics, part of Exact Sciences
Classification: Uncertain significance for FLNC-related condition. Last evaluated: 2026-02-12. Review status: criteria provided, single submitter. Criteria: ACMG Guidelines, 2015. Collection method: clinical testing. Allele origin: germline.
Comment: The FLNC c.7922G>A variant is predicted to result in the amino acid substitution p.Arg2641Gln. To our knowledge, this variant has not been reported in the literature. This variant is reported in 0.0027% of alleles in individuals of European (Non-Finnish) descent in gnomAD. At this time, the clinical significance of this variant is uncertain due to the absence of conclusive functional and genetic evidence.

Labcorp Genetics (formerly Invitae), Labcorp
Classification: Uncertain significance for Distal myopathy with posterior leg and anterior hand involvement; Myofibrillar myopathy 5; Hypertrophic cardiomyopathy 26. Last evaluated: 2025-08-03. Review status: criteria provided, single submitter. Criteria: Invitae Variant Classification Sherloc (09022015). Collection method: clinical testing. Allele origin: germline.
Comment: This sequence change replaces arginine, which is basic and polar, with glutamine, which is neutral and polar, at codon 2641 of the FLNC protein (p.Arg2641Gln). This variant is present in population databases (rs760857362, gnomAD 0.003%). This variant has not been reported in the literature in individuals affected with FLNC-related conditions. ClinVar contains an entry for this variant (Variation ID: 447346). Invitae Evidence Modeling of protein sequence and biophysical properties (such as structural, functional, and spatial information, amino acid conservation, physicochemical variation, residue mobility, and thermodynamic stability) indicates that this missense variant is not expected to disrupt FLNC protein function with a negative predictive value of 95%. In summary, the available evidence is currently insufficient to determine the role of this variant in disease. Therefore, it has been classified as a Variant of Uncertain Significance.

Athena Diagnostics
Classification: Uncertain significance. Last evaluated: 2016-12-08. Review status: criteria provided, single submitter. Criteria: Athena Diagnostics Criteria. Collection method: clinical testing. Allele origin: germline.

NM_001458.5(FLNC):c.7922G>A (p.Arg2641Gln)

Genes: FLNC (filamin C; plus strand), FLNC-AS1 (FLNC antisense RNA 1; minus strand). Cytogenetic location: 7q32.1.
Variant type: single nucleotide variant.
Coding change: c.7922G>A on transcript NM_001458.5 (MANE Select); coding-DNA position 7922, G replaced by A.
Protein change: p.Arg2641Gln; replaces arginine 2641 with glutamine.
Molecular consequence: missense variant.
Genome position (GRCh38, 1-based): chr7:128,858,149, G>A. VCF-style: chr7-128858149-G-A. GRCh37 (hg19) VCF-style: chr7-128498203-G-A.
Other names: c.7823G>A, p.Arg2608Gln (NM_001127487.2); short protein forms R2641Q, R2608Q.
Identifiers: ClinVar variation 447346 (VCV000447346.8), dbSNP rs760857362, ClinGen allele CA4476382.